The following is an entry in ClinVar:

ClinVar aggregate classification (germline): Uncertain significance (1 of 4 stars; one submission).

Conditions:
Gastrointestinal stromal tumor. Also called: Gastrointestinal stroma tumor; Gastrointestinal stromal tumor, somatic. Identifiers: Orphanet 44890, MedGen C0238198, MeSH D046152, MONDO:0011719, OMIM 606764, HP:0100723.

Allele frequency attached by ClinVar (database versions not stated): TOPMed below 0.00001.

Submission:

Labcorp Genetics (formerly Invitae), Labcorp
Classification: Uncertain significance for Gastrointestinal stromal tumor. Last evaluated: 2018-10-15. Review status: criteria provided, single submitter. Criteria: Invitae Variant Classification Sherloc (09022015). Collection method: clinical testing. Allele origin: germline.
Comment: In summary, the available evidence is currently insufficient to determine the role of this variant in disease. Therefore, it has been classified as a Variant of Uncertain Significance. Algorithms developed to predict the effect of missense changes on protein structure and function output the following: SIFT: "Tolerated"; PolyPhen-2: "Benign"; Align-GVGD: "Class C0". The lysine amino acid residue is found in multiple mammalian species, suggesting that this missense change does not adversely affect protein function. These predictions have not been confirmed by published functional studies and their clinical significance is uncertain. This variant has not been reported in the literature in individuals with PDGFRA-related disease. ClinVar contains an entry for this variant (Variation ID: 528616). This variant is not present in population databases (ExAC no frequency). This sequence change replaces glutamic acid with lysine at codon 301 of the PDGFRA protein (p.Glu301Lys). The glutamic acid residue is moderately conserved and there is a small physicochemical difference between glutamic acid and lysine.

NM_006206.6(PDGFRA):c.901G>A (p.Glu301Lys)

Gene: PDGFRA (platelet derived growth factor receptor alpha; plus strand). Cytogenetic location: 4q12.
Variant type: single nucleotide variant.
Coding change: c.901G>A on transcript NM_006206.6 (MANE Select); coding-DNA position 901, G replaced by A.
Protein change: p.Glu301Lys; replaces glutamic acid 301 with lysine.
Molecular consequence: missense variant.
Genome position (GRCh38, 1-based): chr4:54,267,430, G>A. VCF-style: chr4-54267430-G-A. GRCh37 (hg19) VCF-style: chr4-55133597-G-A.
Other names: c.901G>A, p.Glu301Lys (NM_001347827.2, NM_001347829.2); c.976G>A, p.Glu326Lys (NM_001347828.2); c.940G>A, p.Glu314Lys (NM_001347830.2); short protein forms E301K, E314K, E326K.
Identifiers: ClinVar variation 528616 (VCV000528616.10), dbSNP rs1553903287, ClinGen allele CA356891347.
Genomic context (GRCh38, chr4:54,267,430, plus strand): 5'-ACGGTGAAAGACAGTGGAGATTACGAATGTGCTGCCCGCCAGGCTACCAGGGAGGTCAAA[G>A]AAATGAAGAAAGTCACTATTTCTGTCCATGGTACATTCCGCTTTCTAAAATGTCAGTTGT-3'
Protein context (NP_006197.1, residues 291-311): AARQATREVK[Glu301Lys]MKKVTISVHE